The following is an entry in ClinVar:

NM_001081.4(CUBN):c.5600T>C (p.Phe1867Ser)

Gene: CUBN (cubilin; minus strand). Cytogenetic location: 10p13.
Variant type: single nucleotide variant.
Coding change: c.5600T>C on transcript NM_001081.4 (MANE Select); coding-DNA position 5600, T replaced by C.
Protein change: p.Phe1867Ser; replaces phenylalanine 1867 with serine.
Molecular consequence: missense variant.
Genome position (GRCh38, 1-based): chr10:16,939,096, A>G on the plus strand (T>C on the coding strand, the complement: CUBN is on the minus strand). VCF-style: chr10-16939096-A-G. GRCh37 (hg19) VCF-style: chr10-16981095-A-G.
Other names: short protein forms F1867S.
Identifiers: ClinVar variation 2052515 (VCV002052515.4), dbSNP rs2491537836, ClinGen allele CA376156420.

ClinVar aggregate classification (germline): Uncertain significance (1 of 4 stars; one submission).

Conditions:
Imerslund-Grasbeck syndrome. Also called: PERNICIOUS ANEMIA, JUVENILE, DUE TO SELECTIVE INTESTINAL MALABSORPTION OF VITAMIN B12, WITH PROTEINURIA; Megaloblastic anemia due to inborn errors of metabolism; Imerslund-Gräsbeck syndrome; ENTEROCYTE COBALAMIN MALABSORPTION; ENTEROCYTE INTRINSIC FACTOR RECEPTOR, DEFECT OF. Identifiers: Orphanet 35858, MedGen C4551825, MONDO:0009853.

Submission:

Labcorp Genetics (formerly Invitae), Labcorp
Classification: Uncertain significance for Imerslund-Grasbeck syndrome. Last evaluated: 2022-08-31. Review status: criteria provided, single submitter. Criteria: Invitae Variant Classification Sherloc (09022015). Collection method: clinical testing. Allele origin: germline.
Comment: This sequence change replaces phenylalanine, which is neutral and non-polar, with serine, which is neutral and polar, at codon 1867 of the CUBN protein (p.Phe1867Ser). In summary, the available evidence is currently insufficient to determine the role of this variant in disease. Therefore, it has been classified as a Variant of Uncertain Significance. Algorithms developed to predict the effect of missense changes on protein structure and function are either unavailable or do not agree on the potential impact of this missense change (SIFT: "Tolerated"; PolyPhen-2: "Possibly Damaging"; Align-GVGD: "Class C0"). This variant has not been reported in the literature in individuals affected with CUBN-related conditions. This variant is not present in population databases (gnomAD no frequency).